The following is an entry in ClinVar:

ClinVar aggregate classification (germline): Uncertain significance (1 of 4 stars; one submission).

Conditions:
Autosomal recessive limb-girdle muscular dystrophy type 2J (LGMDR10). Also called: Limb-girdle muscular dystrophy, type 2J; MUSCULAR DYSTROPHY, LIMB-GIRDLE, AUTOSOMAL RECESSIVE 10. Identifiers: Orphanet 140922, MedGen C1837342, MONDO:0012127, OMIM 608807.
Dilated cardiomyopathy 1G (CMD1G). Identifiers: Orphanet 154, MedGen C1858763, MONDO:0011400, OMIM 604145.

Allele frequency attached by ClinVar (database versions not stated): gnomAD exomes below 0.00001; gnomAD 0.00001; TOPMed 0.00001.
gnomAD v4.1: 3 of 1,613,830 alleles (0.00019%); highest among the groups gnomAD compares: Admixed American, 0.0017%; no homozygotes.

Submission:

Labcorp Genetics (formerly Invitae), Labcorp
Classification: Uncertain significance for Dilated cardiomyopathy 1G; Autosomal recessive limb-girdle muscular dystrophy type 2J. Last evaluated: 2025-06-04. Review status: criteria provided, single submitter. Criteria: Invitae Variant Classification Sherloc (09022015). Collection method: clinical testing. Allele origin: germline.
Comment: This sequence change replaces tyrosine, which is neutral and polar, with cysteine, which is neutral and slightly polar, at codon 35757 of the TTN protein (p.Tyr35757Cys). This variant is not present in population databases (gnomAD no frequency). This variant has not been reported in the literature in individuals affected with TTN-related conditions. ClinVar contains an entry for this variant (Variation ID: 948393). Experimental studies and prediction algorithms are not available or were not evaluated, and the functional significance of this variant is currently unknown. This variant is located in the M band of TTN (PMID: 25589632). Non-truncating variants in this region may be relevant for neuromuscular disorders, but have not been definitively shown to cause cardiomyopathy (PMID: 23975875). In summary, the available evidence is currently insufficient to determine the role of this variant in disease. Therefore, it has been classified as a Variant of Uncertain Significance.

Literature cited by the submitters: PubMed 25589632; PubMed 23975875.

NM_001267550.2(TTN):c.107270A>G (p.Tyr35757Cys)

Genes: TTN (titin; minus strand), TTN-AS1 (TTN antisense RNA 1; plus strand). Cytogenetic location: 2q31.2.
Variant type: single nucleotide variant.
Coding change: c.107270A>G on transcript NM_001267550.2 (MANE Select); coding-DNA position 107270, A replaced by G.
Protein change: p.Tyr35757Cys; replaces tyrosine 35757 with cysteine.
Molecular consequence: missense variant.
Genome position (GRCh38, 1-based): chr2:178,528,381, T>C on the plus strand (A>G on the coding strand, the complement: TTN is on the minus strand). VCF-style: chr2-178528381-T-C. GRCh37 (hg19) VCF-style: chr2-179393108-T-C.
Other names: c.102347A>G, p.Tyr34116Cys (NM_001256850.1); c.80075A>G, p.Tyr26692Cys (NM_003319.4); c.99566A>G, p.Tyr33189Cys (NM_133378.4); c.80450A>G, p.Tyr26817Cys (NM_133432.3); c.80651A>G, p.Tyr26884Cys (NM_133437.4); short protein forms Y35757C, Y26817C, Y33189C, Y34116C, Y26692C, Y26884C.
Identifiers: ClinVar variation 948393 (VCV000948393.10), dbSNP rs932225386, ClinGen allele CA60949924.